The following is an entry in ClinVar:

NM_001190737.2(NFIB):c.*11T>C

Gene: NFIB (nuclear factor I B; minus strand). Cytogenetic location: 9p23.
Variant type: single nucleotide variant.
Coding change: c.*11T>C on transcript NM_001190737.2 (MANE Select); 11 bases downstream of the stop codon, T replaced by C.
Molecular consequence: 3 prime UTR variant. On other transcripts: missense variant (13), synonymous variant (1), non-coding transcript variant (4).
Genome position (GRCh38, 1-based): chr9:14,088,298, A>G on the plus strand (T>C on the coding strand, the complement: NFIB is on the minus strand). VCF-style: chr9-14088298-A-G. GRCh37 (hg19) VCF-style: chr9-14088297-A-G.
Other names: c.*11T>C (NM_001190738.2, NM_001369465.1, NM_001369468.1 and 10 more transcripts); c.829T>C, p.Phe277Leu (NM_001282787.2); c.1678T>C, p.Phe560Leu (NM_001369458.1); c.1651T>C, p.Phe551Leu (NM_001369459.1); c.1600T>C, p.Phe534Leu (NM_001369460.1); c.1585T>C, p.Phe529Leu (NM_001369461.1); c.1429T>C, p.Phe477Leu (NM_001369462.1); c.1428T>C, p.Leu476= (NM_001369463.1); and 7 more; short protein forms F380L, F407L, F446L, F551L, F534L, F538L, F560L, F276L.
Identifiers: ClinVar variation 4998267 (VCV004998267.1).

ClinVar aggregate classification (germline): Uncertain significance (1 of 4 stars; one submission).

Conditions:
NFIB-related disorder. Also called: NFIB-related condition.

gnomAD v4.1: 1 of 1,600,892 alleles (0.000062%); highest among the groups gnomAD compares: Admixed American, 0.0017%; no homozygotes.

Submission:

PreventionGenetics, part of Exact Sciences
Classification: Uncertain significance for NFIB-related condition. Last evaluated: 2025-06-08. Review status: criteria provided, single submitter. Criteria: ACMG Guidelines, 2015. Collection method: clinical testing. Allele origin: germline.
Comment: The NFIB c.829T>C variant is predicted to result in the amino acid substitution p.Phe277Leu. To our knowledge, this variant has not been reported in the literature. This variant is reported in 0.0030% of alleles in individuals of Latino descent in gnomAD. At this time, the clinical significance of this variant is uncertain due to the absence of conclusive functional and genetic evidence.